The following is an entry in ClinVar:

ClinVar aggregate classification (germline): Benign/Likely benign. Review status: criteria provided, multiple submitters, no conflicts (2 of 4 stars). 7 submissions from 6 submitters: Benign (4); Likely benign (2). 1 of the submissions does not count toward it. Last evaluated 2026-01-15.

Conditions:
KCNT1-related disorder. Also called: KCNT1-related condition.
Developmental and epileptic encephalopathy, 14 (DEE14). Also called: Early infantile epileptic encephalopathy 14. Identifiers: Orphanet 293181, MedGen C3554195, MONDO:0013989, OMIM 614959.
Autosomal dominant nocturnal frontal lobe epilepsy 5. Also called: Epilepsy, nocturnal frontal lobe, 5; CILIARY DYSKINESIA, PRIMARY, 28, WITHOUT SITUS INVERSUS; CILIARY DYSKINESIA, PRIMARY, 28, WITH SITUS INVERSUS; KCNT1-Related Epilepsy. Identifiers: Orphanet 98784, MedGen C3554306, MONDO:0014002, OMIM 615005.

Submissions (7):

Dasa
Classification: Benign. Last evaluated: 2026-01-15. Review status: criteria provided, single submitter. Criteria: DASA Assertion Criteria. Collection method: clinical testing. Allele origin: germline.
Comment: NM_020822.3(KCNT1):c.2944-14_2944-7del affects a canonical splice site and is predicted to disrupt normal RNA splicing, leading to loss of normal protein function. Loss-of-function is an established mechanism of disease for this gene. Based on the available data, this variant is classified as benign.

GeneDx
Classification: Likely benign. Last evaluated: 2023-10-20. Review status: criteria provided, single submitter. Criteria: GeneDx Variant Classification Process June 2021. Collection method: clinical testing. Allele origin: germline. Affected: yes.
Comment: See Variant Classification Assertion Criteria.

Genome-Nilou Lab
Classification: Benign for Developmental and epileptic encephalopathy, 14. Last evaluated: 2022-03-15. Review status: criteria provided, single submitter. Criteria: ACMG Guidelines, 2015. Collection method: clinical testing. Allele origin: germline. Affected: no.

Genome-Nilou Lab
Classification: Benign for Autosomal dominant nocturnal frontal lobe epilepsy 5. Last evaluated: 2022-03-15. Review status: criteria provided, single submitter. Criteria: ACMG Guidelines, 2015. Collection method: clinical testing. Allele origin: germline. Affected: no.

Eurofins Ntd Llc (ga)
Classification: Benign. Last evaluated: 2017-01-31. Review status: criteria provided, single submitter. Criteria: EGL Classification Definitions 2015. Collection method: clinical testing. Allele origin: germline. Observed: 65 variant alleles, 7 heterozygotes, 57 homozygotes.

Genetic Services Laboratory, University of Chicago
Classification: Likely benign. Last evaluated: 2015-03-24. Review status: criteria provided, single submitter. Criteria: ACMG Guidelines, 2015. Collection method: clinical testing. Allele origin: germline.

PreventionGenetics, part of Exact Sciences
Classification: Benign for KCNT1-related condition. Last evaluated: 2020-09-21. Review status: no assertion criteria provided. Collection method: clinical testing. Allele origin: germline. Not counted in ClinVar's aggregate classification.
Comment: This variant is classified as benign based on ACMG/AMP sequence variant interpretation guidelines (Richards et al. 2015 PMID: 25741868, with internal and published modifications).

NM_020822.3(KCNT1):c.2944-52CTCC[9]

Gene: KCNT1 (potassium sodium-activated channel subfamily T member 1; plus strand). Cytogenetic location: 9q34.3.
Variant type: Microsatellite.
Coding change: c.2944-52CTCC[9] on transcript NM_020822.3 (MANE Select); nine copies in a row of the 4-base unit CTCC starting at c.2944-52.
Molecular consequence: intron variant.
Genome position: GRCh38 VCF-style: chr9-135784482-GCTCCCTCC-G. GRCh37 (hg19) VCF-style: chr9-138676328-GCTCCCTCC-G.
Other names: c.2944-14_2944-7del8 (NM_020822.2); c.2944-14_2944-7del (NM_020822.3); c.2944-14_2944-7delCCCTCCCT (NM_020822.2); c.2809-52CTCC[9] (NM_001272003.2).
Identifiers: ClinVar variation 195983 (VCV000195983.17), dbSNP rs55843930, ClinGen allele CA209773.